The following is an entry in ClinVar:

ClinVar aggregate classification (germline): Uncertain significance. Review status: criteria provided, multiple submitters, no conflicts (2 of 4 stars). 3 submissions from 3 submitters: Uncertain significance (3). Last evaluated 2025-12-09.

Conditions:
Cardiovascular phenotype. Identifiers: MedGen CN230736.
Legius syndrome. Identifiers: Orphanet 137605, MedGen C1969623, MONDO:0012669, OMIM 611431. Disease mechanism: loss of function.

Allele frequency attached by ClinVar (database versions not stated): gnomAD exomes below 0.00001; TOPMed below 0.00001; ExAC 0.00001; gnomAD 0.00001.
gnomAD v4.1: 9 of 1,613,974 alleles (0.00056%); highest among the groups gnomAD compares: Admixed American, 0.0017%; no homozygotes.

Submissions (3):

Labcorp Genetics (formerly Invitae), Labcorp
Classification: Uncertain significance for Legius syndrome. Last evaluated: 2025-12-09. Review status: criteria provided, single submitter. Criteria: Invitae Variant Classification Sherloc (09022015). Collection method: clinical testing. Allele origin: germline.
Comment: This sequence change replaces aspartic acid, which is acidic and polar, with glycine, which is neutral and non-polar, at codon 307 of the SPRED1 protein (p.Asp307Gly). This variant is present in population databases (rs764868020, gnomAD 0.0009%). This variant has not been reported in the literature in individuals affected with SPRED1-related conditions. ClinVar contains an entry for this variant (Variation ID: 963626). Invitae Evidence Modeling of protein sequence and biophysical properties (such as structural, functional, and spatial information, amino acid conservation, physicochemical variation, residue mobility, and thermodynamic stability) indicates that this missense variant is not expected to disrupt SPRED1 protein function with a negative predictive value of 80%. In summary, the available evidence is currently insufficient to determine the role of this variant in disease. Therefore, it has been classified as a Variant of Uncertain Significance.

Ambry Genetics
Classification: Uncertain significance for Cardiovascular phenotype. Last evaluated: 2025-05-27. Review status: criteria provided, single submitter. Criteria: Ambry Variant Classification Scheme 2023. Collection method: clinical testing. Allele origin: germline.
Comment: The p.D307G variant (also known as c.920A>G), located in coding exon 7 of the SPRED1 gene, results from an A to G substitution at nucleotide position 920. The aspartic acid at codon 307 is replaced by glycine, an amino acid with similar properties. This amino acid position is conserved. In addition, the in silico prediction for this alteration is inconclusive. Based on the available evidence, the clinical significance of this variant remains unclear.

GeneDx
Classification: Uncertain significance. Last evaluated: 2021-03-09. Review status: criteria provided, single submitter. Criteria: GeneDx Variant Classification Process June 2021. Collection method: clinical testing. Allele origin: germline. Affected: yes.
Comment: In silico analysis supports that this missense variant does not alter protein structure/function; Has not been previously published as pathogenic or benign to our knowledge

NM_152594.3(SPRED1):c.920A>G (p.Asp307Gly)

Gene: SPRED1 (sprouty related EVH1 domain containing 1; plus strand). Cytogenetic location: 15q14.
Variant type: single nucleotide variant.
Coding change: c.920A>G on transcript NM_152594.3 (MANE Select); coding-DNA position 920, A replaced by G.
Protein change: p.Asp307Gly; replaces aspartic acid 307 with glycine.
Molecular consequence: missense variant.
Genome position (GRCh38, 1-based): chr15:38,351,249, A>G. VCF-style: chr15-38351249-A-G. GRCh37 (hg19) VCF-style: chr15-38643450-A-G.
Other names: short protein forms D307G.
Identifiers: ClinVar variation 963626 (VCV000963626.12), dbSNP rs764868020, ClinGen allele CA7470203.